The following is an entry in ClinVar:

ClinVar aggregate classification (germline): Benign/Likely benign. Review status: criteria provided, multiple submitters, no conflicts (2 of 4 stars). 4 submissions from 4 submitters: Benign (2); Likely benign (2). Last evaluated 2026-07-01.

Allele frequency attached by ClinVar (database versions not stated): ESP Exome Variant Server 0.00023; gnomAD exomes 0.00039 and 0.00178; gnomAD 0.00082 and 0.00084; ExAC 0.00148; TOPMed 0.00153; 1000 Genomes Project 0.00220; 1000 Genomes Project 30x 0.00297.
gnomAD v4.1: 715 of 1,612,460 alleles (0.044%); highest among the groups gnomAD compares: Admixed American, 0.9%; 3 homozygotes.

Submissions (4):

CeGaT Center for Human Genetics Tuebingen
Classification: Likely benign. Last evaluated: 2026-07-01. Review status: criteria provided, single submitter. Criteria: CeGaT Center For Human Genetics Tuebingen Variant Classification Criteria Version 2. Collection method: clinical testing. Allele origin: germline. Affected: yes. Observed: 3 variant alleles.
Comment: TONSL: BP4, BP7

Labcorp Genetics (formerly Invitae), Labcorp
Classification: Benign. Last evaluated: 2026-01-28. Review status: criteria provided, single submitter. Criteria: Invitae Variant Classification Sherloc (09022015). Collection method: clinical testing. Allele origin: germline.

Blueprint Genetics
Classification: Likely benign. Last evaluated: 2024-09-16. Review status: criteria provided, single submitter. Criteria: ACMG Guidelines, 2015. Collection method: clinical testing. Allele origin: germline.

Breakthrough Genomics
Classification: Benign. Review status: criteria provided, single submitter. Criteria: ACMG Guidelines, 2015. Collection method: not provided. Allele origin: germline. Inheritance: Autosomal recessive inheritance. Affected: yes.

NM_013432.5(TONSL):c.1149C>T (p.Ser383=)

Gene: TONSL (tonsoku like, DNA repair protein; minus strand). Cytogenetic location: 8q24.3.
Variant type: single nucleotide variant.
Coding change: c.1149C>T on transcript NM_013432.5 (MANE Select); coding-DNA position 1149, C replaced by T.
Protein change: p.Ser383=; no amino-acid change (serine 383 retained).
Molecular consequence: synonymous variant.
Genome position (GRCh38, 1-based): chr8:144,440,733, G>A on the plus strand (C>T on the coding strand, the complement: TONSL is on the minus strand). VCF-style: chr8-144440733-G-A. GRCh37 (hg19) VCF-style: chr8-145666116-G-A.
Identifiers: ClinVar variation 1166227 (VCV001166227.11), dbSNP rs150235596, ClinGen allele CA4943378.